The following is an entry in ClinVar:

NM_000089.4(COL1A2):c.821G>A (p.Gly274Asp)

Gene: COL1A2 (collagen type I alpha 2 chain; plus strand). Cytogenetic location: 7q21.3.
Variant type: single nucleotide variant.
Coding change: c.821G>A on transcript NM_000089.4 (MANE Select); coding-DNA position 821, G replaced by A.
Protein change: p.Gly274Asp; replaces glycine 274 with aspartic acid.
Molecular consequence: missense variant.
Genome position (GRCh38, 1-based): chr7:94,409,350, G>A. VCF-style: chr7-94409350-G-A. GRCh37 (hg19) VCF-style: chr7-94038662-G-A.
Other names: short protein forms G274D.
Identifiers: ClinVar variation 1071305 (VCV001071305.10), dbSNP rs67675951, ClinGen allele CA162919535.

ClinVar aggregate classification (germline): Pathogenic (1 of 4 stars; one submission).

Conditions:
Osteogenesis imperfecta type I (OI1). Also called: OI, TYPE I; OSTEOGENESIS IMPERFECTA TARDA; OSTEOGENESIS IMPERFECTA WITH BLUE SCLERAE; Osteogenesis imperfecta type 1; Classic Non-deforming Osteogenesis Imperfecta with Blue Sclerae; Lobstein's Disease. Identifiers: Orphanet 216796, Orphanet 666, MedGen C0023931, MONDO:0008146, OMIM 166200. Disease mechanism: loss of function.
Ehlers-Danlos syndrome, classic type, 1 (EDSCL1). Also called: EHLERS-DANLOS SYNDROME, GRAVIS TYPE; EHLERS-DANLOS SYNDROME, SEVERE CLASSIC TYPE; EDS I; Ehlers-Danlos Syndrome, Classic Type, COL5A1-Related; Ehlers-Danlos syndrome, type 1. Identifiers: MedGen C0268335, MONDO:0019567, OMIM 130000.

Submission:

Labcorp Genetics (formerly Invitae), Labcorp
Classification: Pathogenic for Osteogenesis imperfecta type I; Ehlers-Danlos syndrome, classic type, 1. Last evaluated: 2020-06-01. Review status: criteria provided, single submitter. Criteria: Invitae Variant Classification Sherloc (09022015). Collection method: clinical testing. Allele origin: germline.
Comment: This variant is not present in population databases (ExAC no frequency). This variant has been observed in individual(s) with autosomal dominant osteogenesis imperfecta types III and IV (PMID: 11317364, 29620724). This variant is also known as G184D in the literature. Glycine residues within the Gly-Xaa-Yaa repeats of the triple helix domain are required for the structure and stability of fibrillar collagens (PMID: 7695699, 8218237, 19344236). In COL1A2, variants affecting these glycine residues are significantly enriched in individuals with disease (PMID: 9016532, 17078022) compared to the general population (ExAC). For these reasons, this variant has been classified as Pathogenic. This sequence change replaces glycine with aspartic acid at codon 274 of the COL1A2 protein (p.Gly274Asp). The glycine residue is highly conserved and there is a moderate physicochemical difference between glycine and aspartic acid.

Literature cited by the submitters: PubMed 11317364; PubMed 29620724; PubMed 7695699; PubMed 8218237; PubMed 19344236; PubMed 9016532; PubMed 17078022.